The following is an entry in ClinVar:

NM_001040108.2(MLH3):c.2241G>C (p.Leu747Phe)

Gene: MLH3 (mutL homolog 3; minus strand). Cytogenetic location: 14q24.3.
Variant type: single nucleotide variant.
Coding change: c.2241G>C on transcript NM_001040108.2 (MANE Select); coding-DNA position 2241, G replaced by C.
Protein change: p.Leu747Phe; replaces leucine 747 with phenylalanine.
Molecular consequence: missense variant.
Genome position (GRCh38, 1-based): chr14:75,047,415, C>G on the plus strand (G>C on the coding strand, the complement: MLH3 is on the minus strand). VCF-style: chr14-75047415-C-G. GRCh37 (hg19) VCF-style: chr14-75514118-C-G.
Other names: c.2241G>C, p.Leu747Phe (NM_014381.3); short protein forms L747F.
Identifiers: ClinVar variation 3295099 (VCV003295099.1).

ClinVar aggregate classification (germline): Uncertain significance (1 of 4 stars; one submission).

Submission:

Ambry Genetics
Classification: Uncertain significance. Last evaluated: 2024-03-29. Review status: criteria provided, single submitter. Criteria: Ambry Variant Classification Scheme 2023. Collection method: clinical testing. Allele origin: germline.
Comment: The p.L747F variant (also known as c.2241G>C), located in coding exon 1 of the MLH3 gene, results from a G to C substitution at nucleotide position 2241. The leucine at codon 747 is replaced by phenylalanine, an amino acid with highly similar properties. This amino acid position is conserved. In addition, this alteration is predicted to be tolerated by in silico analysis. Based on the available evidence, the clinical significance of this alteration remains unclear.